The following is an entry in ClinVar:

ClinVar aggregate classification (germline): Uncertain significance (1 of 4 stars; one submission).

Conditions:
Hereditary diffuse gastric adenocarcinoma (HDGC). Also called: DIFFUSE GASTRIC AND LOBULAR BREAST CANCER SYNDROME. Identifiers: Orphanet 26106, MedGen C1708349, MONDO:0007648, OMIM 137215.

Allele frequency attached by ClinVar (database versions not stated): TOPMed 0.00433; 1000 Genomes Project 30x 0.00437; 1000 Genomes Project 0.00439; gnomAD 0.00491; gnomAD exomes 0.00525.
gnomAD v4.1: 4,009 of 774,710 alleles (0.52%); highest among the groups gnomAD compares: South Asian, 1.1%; 25 homozygotes.

Submission:

European Reference Network on Genetic Tumour Risk Syndromes (ERN-GENTURIS), i3s - Instituto de Investigação e Inovação em Saúde, University of Porto
Classification: Uncertain significance for Hereditary diffuse gastric adenocarcinoma. Last evaluated: 2022-08-01. Review status: criteria provided, single submitter. Criteria: Lee et al. (Hum Mutat. 2018). Collection method: clinical testing. Allele origin: germline. Inheritance: Autosomal dominant inheritance. Affected: no. Study: ERN GENTURIS.
Comment: PM2 (PMID: 30311375)

Literature cited by the submitters: PubMed 36436516.

NM_004360.5(CDH1):c.1937-111C>A

Gene: CDH1 (cadherin 1; plus strand). Cytogenetic location: 16q22.1.
Variant type: single nucleotide variant.
Coding change: c.1937-111C>A on transcript NM_004360.5 (MANE Select); 111 bases into the intron before coding-DNA position 1937, C replaced by A.
Molecular consequence: intron variant.
Genome position (GRCh38, 1-based): chr16:68,823,288, C>A. VCF-style: chr16-68823288-C-A. GRCh37 (hg19) VCF-style: chr16-68857191-C-A.
Other names: c.389-111C>A (NM_001317185.2); c.-29-111C>A (NM_001317186.2); c.1754-111C>A (NM_001317184.2).
Identifiers: ClinVar variation 2502983 (VCV002502983.1), dbSNP rs34946826, ClinGen allele CA283312795.